The following is an entry in ClinVar:

NM_021954.4(GJA3):c.392C>T (p.Ser131Leu)

Gene: GJA3 (gap junction protein alpha 3; minus strand). Cytogenetic location: 13q12.11.
Variant type: single nucleotide variant.
Coding change: c.392C>T on transcript NM_021954.4 (MANE Select); coding-DNA position 392, C replaced by T.
Protein change: p.Ser131Leu; replaces serine 131 with leucine.
Molecular consequence: missense variant.
Genome position (GRCh38, 1-based): chr13:20,142,897, G>A on the plus strand (C>T on the coding strand, the complement: GJA3 is on the minus strand). VCF-style: chr13-20142897-G-A. GRCh37 (hg19) VCF-style: chr13-20717036-G-A.
Other names: c.392C>T (NM_021954.3); short protein forms S131L.
Identifiers: ClinVar variation 1487555 (VCV001487555.7), dbSNP rs774444626, ClinGen allele CA6904126.

ClinVar aggregate classification (germline): Uncertain significance. Review status: criteria provided, multiple submitters, no conflicts (2 of 4 stars). 2 submissions from 2 submitters: Uncertain significance (2). Last evaluated 2025-10-01.

Conditions:
Inborn genetic diseases. Identifiers: MedGen C0950123, MeSH D030342.
Cataract 14 multiple types. Also called: CATARACT 14, EMBRYONAL NUCLEAR; CATARACT 14, COPPOCK-LIKE; CATARACT 14, ZONULAR PULVERULENT; CATARACT 14, NUCLEAR PULVERULENT; CATARACT 14, NUCLEAR PULVERULENT AND POSTERIOR POLAR; CATARACT 14, NUCLEAR CORALLIFORM. Identifiers: Orphanet 91492, MedGen C1866078, MONDO:0011162, OMIM 601885.

Allele frequency attached by ClinVar (database versions not stated): 1000 Genomes Project 30x 0.00031; ExAC 0.00005; gnomAD 0.00006 and 0.00005; gnomAD exomes 0.00007 and 0.00002; TOPMed 0.00005.
gnomAD v4.1: 37 of 1,593,724 alleles (0.0023%); highest among the groups gnomAD compares: Admixed American, 0.036%; no homozygotes.

Submissions (2):

Labcorp Genetics (formerly Invitae), Labcorp
Classification: Uncertain significance for Cataract 14 multiple types. Last evaluated: 2025-10-01. Review status: criteria provided, single submitter. Criteria: Invitae Variant Classification Sherloc (09022015). Collection method: clinical testing. Allele origin: germline.
Comment: This sequence change replaces serine, which is neutral and polar, with leucine, which is neutral and non-polar, at codon 131 of the GJA3 protein (p.Ser131Leu). This variant is present in population databases (rs774444626, gnomAD 0.05%). This variant has not been reported in the literature in individuals affected with GJA3-related conditions. ClinVar contains an entry for this variant (Variation ID: 1487555). Invitae Evidence Modeling of protein sequence and biophysical properties (such as structural, functional, and spatial information, amino acid conservation, physicochemical variation, residue mobility, and thermodynamic stability) indicates that this missense variant is not expected to disrupt GJA3 protein function with a negative predictive value of 95%. In summary, the available evidence is currently insufficient to determine the role of this variant in disease. Therefore, it has been classified as a Variant of Uncertain Significance.

Ambry Genetics
Classification: Uncertain significance for Inborn genetic diseases. Last evaluated: 2025-07-15. Review status: criteria provided, single submitter. Criteria: Ambry Variant Classification Scheme 2023. Collection method: clinical testing. Allele origin: germline.